The following is an entry in ClinVar:

NM_015335.5(MED13L):c.1828G>T (p.Ala610Ser)

Gene: MED13L (mediator complex subunit 13L; minus strand). Cytogenetic location: 12q24.21.
Variant type: single nucleotide variant.
Coding change: c.1828G>T on transcript NM_015335.5 (MANE Select); coding-DNA position 1828, G replaced by T.
Protein change: p.Ala610Ser; replaces alanine 610 with serine.
Molecular consequence: missense variant.
Genome position (GRCh38, 1-based): chr12:116,008,585, C>A on the plus strand (G>T on the coding strand, the complement: MED13L is on the minus strand). VCF-style: chr12-116008585-C-A. GRCh37 (hg19) VCF-style: chr12-116446390-C-A.
Other names: short protein forms A610S.
Identifiers: ClinVar variation 2741914 (VCV002741914.3), dbSNP rs762794873, ClinGen allele CA6811351.

ClinVar aggregate classification (germline): Uncertain significance (1 of 4 stars; one submission).

Conditions:
Dextro-looped transposition of the great arteries. Also called: Dextrotransposition of the great arteries. Identifiers: Orphanet 860, MedGen C3531771, MONDO:0019443, OMIM 608808, HP:0031348.

Allele frequency attached by ClinVar (database versions not stated): ExAC 0.00002.
gnomAD v4.1: 19 of 1,613,938 alleles (0.0012%); highest among the groups gnomAD compares: Non-Finnish European, 0.0015%; no homozygotes.

Submission:

Labcorp Genetics (formerly Invitae), Labcorp
Classification: Uncertain significance for Dextro-looped transposition of the great arteries. Last evaluated: 2023-05-30. Review status: criteria provided, single submitter. Criteria: Invitae Variant Classification Sherloc (09022015). Collection method: clinical testing. Allele origin: germline.
Comment: This sequence change replaces alanine, which is neutral and non-polar, with serine, which is neutral and polar, at codon 610 of the MED13L protein (p.Ala610Ser). Advanced modeling of protein sequence and biophysical properties (such as structural, functional, and spatial information, amino acid conservation, physicochemical variation, residue mobility, and thermodynamic stability) performed at Invitae indicates that this missense variant is not expected to disrupt MED13L protein function. This variant has not been reported in the literature in individuals affected with MED13L-related conditions. This variant is present in population databases (rs762794873, gnomAD 0.006%). In summary, the available evidence is currently insufficient to determine the role of this variant in disease. Therefore, it has been classified as a Variant of Uncertain Significance.